The following is an entry in ClinVar:

ClinVar aggregate classification (germline): Uncertain significance (1 of 4 stars; one submission).

gnomAD v4.1: 67 of 1,613,696 alleles (0.0042%); highest among the groups gnomAD compares: Non-Finnish European, 0.0057%; no homozygotes.

Submission:

Labcorp Genetics (formerly Invitae), Labcorp
Classification: Uncertain significance. Last evaluated: 2025-04-28. Review status: criteria provided, single submitter. Criteria: Invitae Variant Classification Sherloc (09022015). Collection method: clinical testing. Allele origin: germline.
Comment: This sequence change replaces methionine, which is neutral and non-polar, with valine, which is neutral and non-polar, at codon 557 of the ZNF687 protein (p.Met557Val). This variant is present in population databases (rs777462321, gnomAD 0.003%). This variant has not been reported in the literature in individuals affected with ZNF687-related conditions. ClinVar contains an entry for this variant (Variation ID: 3608617). An algorithm developed to predict the effect of missense changes on protein structure and function (PolyPhen-2) suggests that this variant is likely to be tolerated. In summary, the available evidence is currently insufficient to determine the role of this variant in disease. Therefore, it has been classified as a Variant of Uncertain Significance.

NM_020832.3(ZNF687):c.1669A>G (p.Met557Val)

Gene: ZNF687 (zinc finger protein 687; plus strand). Cytogenetic location: 1q21.3.
Variant type: single nucleotide variant.
Coding change: c.1669A>G on transcript NM_020832.3 (MANE Select); coding-DNA position 1669, A replaced by G.
Protein change: p.Met557Val; replaces methionine 557 with valine.
Molecular consequence: missense variant.
Genome position (GRCh38, 1-based): chr1:151,287,960, A>G. VCF-style: chr1-151287960-A-G. GRCh37 (hg19) VCF-style: chr1-151260436-A-G.
Other names: c.1669A>G, p.Met557Val (NM_001304763.2, NM_001304764.2); short protein forms M557V.
Identifiers: ClinVar variation 3608617 (VCV003608617.2).